The following is an entry in ClinVar:

NM_003052.5(SLC34A1):c.437C>T (p.Pro146Leu)

Gene: SLC34A1 (solute carrier family 34 member 1; plus strand). Cytogenetic location: 5q35.3.
Variant type: single nucleotide variant.
Coding change: c.437C>T on transcript NM_003052.5 (MANE Select); coding-DNA position 437, C replaced by T.
Protein change: p.Pro146Leu; replaces proline 146 with leucine.
Molecular consequence: missense variant.
Genome position (GRCh38, 1-based): chr5:177,386,471, C>T. VCF-style: chr5-177386471-C-T. GRCh37 (hg19) VCF-style: chr5-176813472-C-T.
Other names: c.437C>T, p.Pro146Leu (NM_001167579.2); short protein forms P146L.
Identifiers: ClinVar variation 352961 (VCV000352961.17), dbSNP rs548844573, ClinGen allele CA3580386.

ClinVar aggregate classification (germline): Conflicting classifications of pathogenicity. Review status: criteria provided, conflicting classifications (1 of 4 stars). 7 submissions from 7 submitters: Uncertain significance (3); Benign (1). 3 of the submissions do not count toward it. Last evaluated 2025-11-17.

Conditions:
Hypercalcemia, infantile, 2 (HCINF2). Identifiers: Orphanet 300547, MedGen C4310473, MONDO:0014851, OMIM 616963.
Fanconi renotubular syndrome 2 (FRTS2). Identifiers: MedGen C3150652, MONDO:0013247, OMIM 613388.
Hypophosphatemic nephrolithiasis/osteoporosis 1. Identifiers: Orphanet 244305, MedGen C2676786, MONDO:0012850, OMIM 612286.

Allele frequency attached by ClinVar (database versions not stated): gnomAD 0.00002 and 0.00003; gnomAD exomes 0.00005; TOPMed 0.00005; ExAC 0.00006; 1000 Genomes Project 30x 0.00016; 1000 Genomes Project 0.00020.
gnomAD v4.1: 76 of 1,613,968 alleles (0.0047%); highest among the groups gnomAD compares: South Asian, 0.0066%; no homozygotes.

Submissions (7):

Labcorp Genetics (formerly Invitae), Labcorp
Classification: Uncertain significance. Last evaluated: 2025-11-17. Review status: criteria provided, single submitter. Criteria: Invitae Variant Classification Sherloc (09022015). Collection method: clinical testing. Allele origin: germline.
Comment: This sequence change replaces proline, which is neutral and non-polar, with leucine, which is neutral and non-polar, at codon 146 of the SLC34A1 protein (p.Pro146Leu). This variant is present in population databases (rs548844573, gnomAD 0.01%). This missense change has been observed in individual(s) with SLC34A1-related conditions (PMID: 26787776, 33099630; internal data). ClinVar contains an entry for this variant (Variation ID: 352961). Invitae Evidence Modeling of protein sequence and biophysical properties (such as structural, functional, and spatial information, amino acid conservation, physicochemical variation, residue mobility, and thermodynamic stability) has been performed for this missense variant. However, the output from this modeling did not meet the statistical confidence thresholds required to predict the impact of this variant on SLC34A1 protein function. In summary, the available evidence is currently insufficient to determine the role of this variant in disease. Therefore, it has been classified as a Variant of Uncertain Significance.

Blueprint Genetics
Classification: Uncertain significance. Last evaluated: 2024-08-06. Review status: criteria provided, single submitter. Criteria: ACMG Guidelines, 2015. Collection method: clinical testing. Allele origin: germline.

Fulgent Genetics
Classification: Uncertain significance for Hypophosphatemic nephrolithiasis/osteoporosis 1; Fanconi renotubular syndrome 2; Hypercalcemia, infantile, 2. Last evaluated: 2024-03-07. Review status: criteria provided, single submitter. Criteria: ACMG Guidelines, 2015. Collection method: clinical testing. Allele origin: germline.

Illumina Laboratory Services, Illumina
Classification: Benign for Hypophosphatemic nephrolithiasis/osteoporosis 1. Last evaluated: 2018-01-13. Review status: criteria provided, single submitter. Criteria: ICSL Variant Classification Criteria 13 December 2019. Collection method: clinical testing. Allele origin: germline.
Comment: This variant was observed in the ICSL laboratory as part of a predisposition screen in an ostensibly healthy population. It had not been previously curated by ICSL or reported in the Human Gene Mutation Database (HGMD: prior to June 1st, 2018), and was therefore a candidate for classification through an automated scoring system. Utilizing variant allele frequency, disease prevalence and penetrance estimates, and inheritance mode, an automated score was calculated to assess if this variant is too frequent to cause the disease. Based on the score and internal cut-off values, a variant classified as benign is not then subjected to further curation. The score for this variant resulted in a classification of benign for this disease.

Sydney Genome Diagnostics, Children's Hospital Westmead
Classification: Uncertain significance for Hypercalcemia, infantile, 2. Last evaluated: 2019-04-30. Review status: no assertion criteria provided. Collection method: clinical testing. Allele origin: unknown. Affected: yes. Observed: 1 variant allele, 1 heterozygote. Not counted in ClinVar's aggregate classification.
Comment: This variant has been identified in an individual with nephrolithiasis (Braun et al Clin J Am Soc Nephrol. 2016;11(4):664-672) and is listed as a VOUS on the Leiden Open Variation Database (LOVD). This variant has been reported in the gnomAD browser with a very low allele frequency of 0.005% (13 out of 251,432 alleles). In silico analysis of pathogenicity (through Alamut Visual v2.8.1) using PolyPhen2, SIFT and MutationTaster all suggest that this variant is likely to be pathogenic. However, this analysis alone cannot be used to confirm pathogenicity. This variant is considered to be a variant of uncertain clinical significance (VOUS) according to the ACMG guidelines. (Evidence used: PM2, PP3)

Clinical Genetics DNA and cytogenetics Diagnostics Lab, Erasmus MC, Erasmus Medical Center
Classification: Uncertain significance. Review status: no assertion criteria provided. Collection method: clinical testing. Allele origin: germline. Affected: yes. Study: VKGL Data-share Consensus. Not counted in ClinVar's aggregate classification.

Joint Genome Diagnostic Labs from Nijmegen and Maastricht, Radboudumc and MUMC+
Classification: Uncertain significance. Review status: no assertion criteria provided. Collection method: clinical testing. Allele origin: germline. Affected: yes. Study: VKGL Data-share Consensus. Not counted in ClinVar's aggregate classification.

Literature cited by the submitters: PubMed 26787776 (cited by Labcorp Genetics (formerly Invitae), Labcorp); PubMed 33099630 (cited by Labcorp Genetics (formerly Invitae), Labcorp).